The following is an entry in ClinVar:

ClinVar aggregate classification (germline): Pathogenic (1 of 4 stars; one submission).

Conditions:
Vascular skin disorders.

Submission:

Genetics Laboratory, Great Ormond Street Hospital NHS Foundation Trust, North Thames Genomic Laboratory Hub
Classification: Pathogenic for Vascular skin disorders. Last evaluated: 2026-06-24. Review status: criteria provided, single submitter. Criteria: ACGS Best Practice Guidelines for Variant Classification in Rare Disease 2024 v1.2. Collection method: clinical testing. Allele origin: germline. Affected: yes.
Comment: PM2_moderate, PVS1_very-strong

NM_182925.5(FLT4):c.3535C>T (p.Gln1179Ter)

Gene: FLT4 (fms related receptor tyrosine kinase 4; minus strand). Cytogenetic location: 5q35.3.
Variant type: single nucleotide variant.
Coding change: c.3535C>T on transcript NM_182925.5 (MANE Select); coding-DNA position 3535, C replaced by T.
Protein change: p.Gln1179Ter; replaces glutamine 1179 with a stop codon.
Molecular consequence: nonsense.
Genome position (GRCh38, 1-based): chr5:180,612,508, G>A on the plus strand (C>T on the coding strand, the complement: FLT4 is on the minus strand). VCF-style: chr5-180612508-G-A. GRCh37 (hg19) VCF-style: chr5-180039508-G-A.
Other names: c.3535C>T, p.Gln1179Ter (NM_001354989.2, NM_002020.5); short protein forms Q1179*.
Identifiers: ClinVar variation 4886768 (VCV004886768.1).